The following is an entry in ClinVar:

NM_000213.5(ITGB4):c.1205G>A (p.Arg402Gln)

Gene: ITGB4 (integrin subunit beta 4; plus strand). Cytogenetic location: 17q25.1.
Variant type: single nucleotide variant.
Coding change: c.1205G>A on transcript NM_000213.5 (MANE Select); coding-DNA position 1205, G replaced by A.
Protein change: p.Arg402Gln; replaces arginine 402 with glutamine.
Molecular consequence: missense variant.
Genome position (GRCh38, 1-based): chr17:75,731,358, G>A. VCF-style: chr17-75731358-G-A. GRCh37 (hg19) VCF-style: chr17-73727439-G-A.
Other names: c.1205G>A, p.Arg402Gln (NM_001005619.2, NM_001005731.3, NM_001321123.2); short protein forms R402Q.
Identifiers: ClinVar variation 2186367 (VCV002186367.5), dbSNP rs748554997, ClinGen allele CA8768906.

ClinVar aggregate classification (germline): Uncertain significance. Review status: criteria provided, multiple submitters, no conflicts (2 of 4 stars). 3 submissions from 3 submitters: Uncertain significance (3). Last evaluated 2024-06-24.

Conditions:
Epidermolysis bullosa, junctional 5A, intermediate. Also called: EPIDERMOLYSIS BULLOSA, JUNCTIONAL 5A, GENERALIZED INTERMEDIATE; EPIDERMOLYSIS BULLOSA, JUNCTIONAL 5A, NON-HERLITZ TYPE. Identifiers: MedGen C5676956, MONDO:0030768, OMIM 619816.
Junctional epidermolysis bullosa with pyloric atresia. Also called: APLASIA CUTIS CONGENITA WITH GASTROINTESTINAL ATRESIA; ITGB4-Related Epidermolysis Bullosa with Pyloric Atresia; ITGA6-Related Epidermolysis Bullosa with Pyloric Atresia; Epidermolysis bullosa, junctional, with pyloric atresia and aplasia cutis congenita; Epidermolysis bullosa junctionalis with pyloric atresia; EPIDERMOLYSIS BULLOSA, JUNCTIONAL 5B, WITH PYLORIC ATRESIA. Identifiers: Orphanet 79403, MedGen C5676875, MONDO:0009183, OMIM 226730.

Allele frequency attached by ClinVar (database versions not stated): gnomAD 0.00004; TOPMed 0.00006.
gnomAD v4.1: 106 of 1,611,816 alleles (0.0066%); highest among the groups gnomAD compares: East Asian, 0.0067%; no homozygotes.

Submissions (3):

Labcorp Genetics (formerly Invitae), Labcorp
Classification: Uncertain significance. Last evaluated: 2024-06-24. Review status: criteria provided, single submitter. Criteria: Invitae Variant Classification Sherloc (09022015). Collection method: clinical testing. Allele origin: germline.
Comment: This sequence change replaces arginine, which is basic and polar, with glutamine, which is neutral and polar, at codon 402 of the ITGB4 protein (p.Arg402Gln). This variant is present in population databases (rs748554997, gnomAD 0.06%). This variant has not been reported in the literature in individuals affected with ITGB4-related conditions. ClinVar contains an entry for this variant (Variation ID: 2186367). Advanced modeling of protein sequence and biophysical properties (such as structural, functional, and spatial information, amino acid conservation, physicochemical variation, residue mobility, and thermodynamic stability) performed at Invitae indicates that this missense variant is not expected to disrupt ITGB4 protein function with a negative predictive value of 80%. In summary, the available evidence is currently insufficient to determine the role of this variant in disease. Therefore, it has been classified as a Variant of Uncertain Significance.

GeneDx
Classification: Uncertain significance. Last evaluated: 2024-06-06. Review status: criteria provided, single submitter. Criteria: GeneDx Variant Classification Process June 2021. Collection method: clinical testing. Allele origin: germline. Affected: yes.
Comment: In silico analysis indicates that this missense variant does not alter protein structure/function; Has not been previously published as pathogenic or benign to our knowledge

Fulgent Genetics
Classification: Uncertain significance for Junctional epidermolysis bullosa with pyloric atresia; Epidermolysis bullosa, junctional 5A, intermediate. Last evaluated: 2024-01-24. Review status: criteria provided, single submitter. Criteria: ACMG Guidelines, 2015. Collection method: clinical testing. Allele origin: germline.